The following is an entry in ClinVar:

ClinVar aggregate classification (germline): Uncertain significance (1 of 4 stars; one submission).

Allele frequency attached by ClinVar (database versions not stated): gnomAD exomes 0.00001; ExAC 0.00002.
gnomAD v4.1: 5 of 1,613,724 alleles (0.00031%); highest among the groups gnomAD compares: Non-Finnish European, 0.00042%; 1 homozygote.

Submission:

Labcorp Genetics (formerly Invitae), Labcorp
Classification: Uncertain significance. Last evaluated: 2024-01-22. Review status: criteria provided, single submitter. Criteria: Invitae Variant Classification Sherloc (09022015). Collection method: clinical testing. Allele origin: germline.
Comment: This sequence change replaces aspartic acid, which is acidic and polar, with histidine, which is basic and polar, at codon 308 of the MYO6 protein (p.Asp308His). This variant is not present in population databases (gnomAD no frequency). This variant has not been reported in the literature in individuals affected with MYO6-related conditions. ClinVar contains an entry for this variant (Variation ID: 1492108). Advanced modeling of protein sequence and biophysical properties (such as structural, functional, and spatial information, amino acid conservation, physicochemical variation, residue mobility, and thermodynamic stability) performed at Invitae indicates that this missense variant is not expected to disrupt MYO6 protein function with a negative predictive value of 80%. In summary, the available evidence is currently insufficient to determine the role of this variant in disease. Therefore, it has been classified as a Variant of Uncertain Significance.

NM_004999.4(MYO6):c.922G>C (p.Asp308His)

Gene: MYO6 (myosin VI; plus strand). Cytogenetic location: 6q14.1.
Variant type: single nucleotide variant.
Coding change: c.922G>C on transcript NM_004999.4 (MANE Select); coding-DNA position 922, G replaced by C.
Protein change: p.Asp308His; replaces aspartic acid 308 with histidine.
Molecular consequence: missense variant. On other transcripts: non-coding transcript variant (1).
Genome position (GRCh38, 1-based): chr6:75,848,375, G>C. VCF-style: chr6-75848375-G-C. GRCh37 (hg19) VCF-style: chr6-76558092-G-C.
Other names: c.922G>C, p.Asp308His (NM_001300899.2, NM_001368136.1, NM_001368137.1 and 2 more transcripts); c.907G>C, p.Asp303His (NM_001368138.1); short protein forms D303H, D308H.
Identifiers: ClinVar variation 1492108 (VCV001492108.6), dbSNP rs764615017, ClinGen allele CA3897001.